The following is an entry in ClinVar:

NM_020706.2(SCAF4):c.2834AGCAGCCACAGC[1] (p.945QQPQ[1])

Gene: SCAF4 (SR-related CTD associated factor 4; minus strand). Cytogenetic location: 21q22.11.
Variant type: Microsatellite.
Coding change: c.2834AGCAGCCACAGC[1] on transcript NM_020706.2 (MANE Select); one copy of the 12-base unit AGCAGCCACAGC starting at c.2834; the reference has two copies in a row; one copy, 12 bases deleted.
Protein change: p.945QQPQ[1].
Molecular consequence: inframe deletion.
Genome position (GRCh38, 1-based): chr21:31,671,986-31,671,997, GCTGTGGCTGCT deleted on the plus strand (AGCAGCCACAGC on the coding strand, the reverse complement: SCAF4 is on the minus strand); deleting any 12 consecutive bases within chr21:31,671,986-31,672,011 gives the same sequence; the position shown is the placement nearest the transcript's 3' end. VCF-style (leftmost placement, unchanged base first): chr21-31671985-GGCTGTGGCTGCT-G. GRCh37 (hg19) VCF-style: chr21-33044298-GGCTGTGGCTGCT-G.
Other names: c.2789AGCAGCCACAGC[1], p.930QQPQ[1] (NM_001145444.1); c.2768AGCAGCCACAGC[1], p.923QQPQ[1] (NM_001145445.1).
Identifiers: ClinVar variation 4872897 (VCV004872897.2).

ClinVar aggregate classification (germline): Likely benign (1 of 4 stars; one submission).

Submission:

CeGaT Center for Human Genetics Tuebingen
Classification: Likely benign. Last evaluated: 2026-05-01. Review status: criteria provided, single submitter. Criteria: CeGaT Center For Human Genetics Tuebingen Variant Classification Criteria Version 2. Collection method: clinical testing. Allele origin: germline. Affected: yes. Observed: 1 variant allele.
Comment: SCAF4: BS1